The following is an entry in ClinVar:

ClinVar aggregate classification (germline): Uncertain significance (1 of 4 stars; one submission).

Conditions:
Aortic aneurysm, familial thoracic 7 (AAT7). Also called: AORTIC DISSECTION, FAMILIAL, WITH OR WITHOUT AORTIC ANEURYSM. Identifiers: MedGen C3151077, MONDO:0013418, OMIM 613780.

Allele frequency attached by ClinVar (database versions not stated): gnomAD exomes below 0.00001.
gnomAD v4.1: 2 of 1,613,654 alleles (0.00012%); highest among the groups gnomAD compares: Non-Finnish European, 0.00017%; no homozygotes.

Submission:

Labcorp Genetics (formerly Invitae), Labcorp
Classification: Uncertain significance for Aortic aneurysm, familial thoracic 7. Last evaluated: 2023-09-23. Review status: criteria provided, single submitter. Criteria: Invitae Variant Classification Sherloc (09022015). Collection method: clinical testing. Allele origin: germline.
Comment: In summary, the available evidence is currently insufficient to determine the role of this variant in disease. Therefore, it has been classified as a Variant of Uncertain Significance. Advanced modeling of protein sequence and biophysical properties (such as structural, functional, and spatial information, amino acid conservation, physicochemical variation, residue mobility, and thermodynamic stability) performed at Invitae indicates that this missense variant is not expected to disrupt MYLK protein function. This variant has not been reported in the literature in individuals affected with MYLK-related conditions. This variant is not present in population databases (gnomAD no frequency). This sequence change replaces serine, which is neutral and polar, with phenylalanine, which is neutral and non-polar, at codon 438 of the MYLK protein (p.Ser438Phe).

NM_053025.4(MYLK):c.1313C>T (p.Ser438Phe)

Gene: MYLK (myosin light chain kinase; minus strand). Cytogenetic location: 3q21.1.
Variant type: single nucleotide variant.
Coding change: c.1313C>T on transcript NM_053025.4 (MANE Select); coding-DNA position 1313, C replaced by T.
Protein change: p.Ser438Phe; replaces serine 438 with phenylalanine.
Molecular consequence: missense variant. On other transcripts: intron variant (2).
Genome position (GRCh38, 1-based): chr3:123,733,099, G>A on the plus strand (C>T on the coding strand, the complement: MYLK is on the minus strand). VCF-style: chr3-123733099-G-A. GRCh37 (hg19) VCF-style: chr3-123451946-G-A.
Other names: c.785C>T, p.Ser262Phe (NM_001321309.2); c.1313C>T, p.Ser438Phe (NM_053027.4); c.1309+588C>T (NM_053028.4, NM_053026.4); short protein forms S262F, S438F.
Identifiers: ClinVar variation 2777453 (VCV002777453.3), dbSNP rs2474551820, ClinGen allele CA354238533.
Genomic context (GRCh38, chr3:123,733,099, plus strand): 5'-TCCTGTCTCCTCACGGGGGTGCCTTCCAGGAACCAGGCCACTTCAGGCTTTGGAATCCCG[G>A]AAACTACAGGGCCAGGTAAAGAACGTGAGCTCCCTATGCCCTGGAGAGCACCCTGTGATT-3'
Protein context (NP_444253.3, residues 428-448): NQTVKFRCEV[Ser438Phe]GIPKPEVAWF